The following is an entry in ClinVar:

ClinVar aggregate classification (germline): Likely benign (1 of 4 stars; one submission).

Allele frequency attached by ClinVar (database versions not stated): TOPMed 0.00001.

Submission:

CeGaT Center for Human Genetics Tuebingen
Classification: Likely benign. Last evaluated: 2023-02-01. Review status: criteria provided, single submitter. Criteria: CeGaT Center For Human Genetics Tuebingen Variant Classification Criteria Version 2. Collection method: clinical testing. Allele origin: germline. Affected: yes. Observed: 1 variant allele.
Comment: CCDC144NL: PM2:Supporting, BP4, BP7

NR_164128.1(CCDC144NL):n.185G>T

Genes: CCDC144NL-AS1 (CCDC144NL antisense RNA 1; plus strand), CCDC144NL-AS1-LOC339260 (CCDC144NL-AS1-LOC339260 readthrough; plus strand). Cytogenetic location: 17p11.2.
Variant type: single nucleotide variant.
Molecular consequence: non-coding transcript variant (on NR_164128.1).
Genome position: GRCh38 VCF-style: chr17-20895979-C-A. GRCh37 (hg19) VCF-style: chr17-20799292-C-A.
Identifiers: ClinVar variation 2647572 (VCV002647572.23), dbSNP rs1252015518, ClinGen allele CA499048903.